The following is an entry in ClinVar:

NM_052844.4(DYNC2I2):c.338G>A (p.Arg113Gln)

Gene: DYNC2I2 (dynein 2 intermediate chain 2; minus strand). Cytogenetic location: 9q34.11.
Variant type: single nucleotide variant.
Coding change: c.338G>A on transcript NM_052844.4 (MANE Select); coding-DNA position 338, G replaced by A.
Protein change: p.Arg113Gln; replaces arginine 113 with glutamine.
Molecular consequence: missense variant.
Genome position (GRCh38, 1-based): chr9:128,640,788, C>T on the plus strand (G>A on the coding strand, the complement: DYNC2I2 is on the minus strand). VCF-style: chr9-128640788-C-T. GRCh37 (hg19) VCF-style: chr9-131403067-C-T.
Other names: c.338G>A (NM_052844.3); short protein forms R113Q.
Identifiers: ClinVar variation 1681252 (VCV001681252.5), dbSNP rs141826084, ClinGen allele CA5266650.

ClinVar aggregate classification (germline): Uncertain significance. Review status: criteria provided, multiple submitters, no conflicts (2 of 4 stars). 2 submissions from 2 submitters: Uncertain significance (2). Last evaluated 2024-11-26.

Conditions:
Inborn genetic diseases. Identifiers: MedGen C0950123, MeSH D030342.
Short-rib thoracic dysplasia 11 with or without polydactyly (SRTD11). Also called: SHORT-RIB THORACIC DYSPLASIA 11 WITHOUT POLYDACTYLY. Identifiers: Orphanet 474, Orphanet 93271, MedGen C3810200, MONDO:0014287, OMIM 615633.

Allele frequency attached by ClinVar (database versions not stated): ExAC 0.00002; gnomAD exomes 0.00003 and 0.00007; TOPMed 0.00004; gnomAD 0.00005 and 0.00006; ESP Exome Variant Server 0.00008.
gnomAD v4.1: 105 of 1,614,076 alleles (0.0065%); highest among the groups gnomAD compares: African/African-American, 0.0093%; no homozygotes.

Submissions (3):

Ambry Genetics
Classification: Uncertain significance for Inborn genetic diseases. Last evaluated: 2024-11-26. Review status: criteria provided, single submitter. Criteria: Ambry Variant Classification Scheme 2023. Collection method: clinical testing. Allele origin: germline.

Labcorp Genetics (formerly Invitae), Labcorp
Classification: Uncertain significance for Short-rib thoracic dysplasia 11 with or without polydactyly. Last evaluated: 2022-07-19. Review status: criteria provided, single submitter. Criteria: Invitae Variant Classification Sherloc (09022015). Collection method: clinical testing. Allele origin: germline.
Comment: This sequence change replaces arginine, which is basic and polar, with glutamine, which is neutral and polar, at codon 113 of the WDR34 protein (p.Arg113Gln). This variant is present in population databases (rs141826084, gnomAD 0.008%). This variant has not been reported in the literature in individuals affected with WDR34-related conditions. ClinVar contains an entry for this variant (Variation ID: 1681252). Algorithms developed to predict the effect of missense changes on protein structure and function output the following: SIFT: "Tolerated"; PolyPhen-2: "Benign"; Align-GVGD: "Class C0". The glutamine amino acid residue is found in multiple mammalian species, which suggests that this missense change does not adversely affect protein function. Algorithms developed to predict the effect of sequence changes on RNA splicing suggest that this variant may create or strengthen a splice site. In summary, the available evidence is currently insufficient to determine the role of this variant in disease. Therefore, it has been classified as a Variant of Uncertain Significance.

Dr. Peter K. Rogan Lab, Western University
No classification provided (evidence only). Condition: Lung cancer. Review status: no classification provided. Collection method: in vitro. Allele origin: not applicable. Functional consequence: retained intron. Not counted in ClinVar's aggregate classification.